The following is an entry in ClinVar:

ClinVar aggregate classification (germline): Uncertain significance (1 of 4 stars; one submission).

Submission:

Labcorp Genetics (formerly Invitae), Labcorp
Classification: Uncertain significance. Last evaluated: 2025-12-25. Review status: criteria provided, single submitter. Criteria: Invitae Variant Classification Sherloc (09022015). Collection method: clinical testing. Allele origin: germline.
Comment: This sequence change creates a premature translational stop signal (p.Ala129Glnfs*19) in the TARS2 gene. It is expected to result in an absent or disrupted protein product. However, the current clinical and genetic evidence is not sufficient to establish whether loss-of-function variants in TARS2 cause disease. This variant is not present in population databases (gnomAD no frequency). This variant has not been reported in the literature in individuals affected with TARS2-related conditions. In summary, the available evidence is currently insufficient to determine the role of this variant in disease. Therefore, it has been classified as a Variant of Uncertain Significance.

NM_025150.5(TARS2):c.384del (p.Ala129fs)

Gene: TARS2 (threonyl-tRNA synthetase 2, mitochondrial; plus strand). Cytogenetic location: 1q21.2.
Variant type: Deletion.
Coding change: c.384del on transcript NM_025150.5 (MANE Select); coding-DNA position 384, one base deleted (A; older notation c.384delA).
Protein change: p.Ala129fs; shifts the reading frame from alanine 129.
Molecular consequence: frameshift variant. On other transcripts: non-coding transcript variant (1).
Genome position (GRCh38, 1-based): chr1:150,489,084, A deleted; the last of 3 consecutive A bases (chr1:150,489,082-150,489,084); deleting any one gives the same sequence. VCF-style (leftmost placement, unchanged base first): chr1-150489081-GA-G. GRCh37 (hg19) VCF-style: chr1-150461557-GA-G.
Other names: c.384del, p.Ala129fs (NM_001271895.2, NM_001271896.2); short protein forms A129fs.
Identifiers: ClinVar variation 4733045 (VCV004733045.1).
Genomic context (GRCh38, chr1:150,489,081, plus strand): 5'-GGAGCGGCCCTTGGAGACAGATTCTGACCTCAGATTTCTGACATTCGATTCCCCAGAGGG[GA>G]AAGCAGTAAGTTTCTTTCTTATCAGGAATACAGTGACTACTAAACCAAGAGATATTGAAG-3'